The following is an entry in ClinVar:

ClinVar aggregate classification (germline): Benign (1 of 4 stars; one submission).

Allele frequency attached by ClinVar (database versions not stated): 1000 Genomes Project 30x 0.07917; 1000 Genomes Project 0.07927; TOPMed 0.13269; gnomAD 0.14953 and 0.15451; gnomAD exomes 0.17620.
gnomAD v4.1: 229,932 of 1,332,742 alleles (17%); highest among the groups gnomAD compares: Non-Finnish European, 20%; 22,180 homozygotes.

Submission:

GeneDx
Classification: Benign. Last evaluated: 2018-06-14. Review status: criteria provided, single submitter. Criteria: GeneDx Variant Classification (06012015). Collection method: clinical testing. Allele origin: germline. Affected: yes.
Comment: This variant is considered likely benign or benign based on one or more of the following criteria: it is a conservative change, it occurs at a poorly conserved position in the protein, it is predicted to be benign by multiple in silico algorithms, and/or has population frequency not consistent with disease.

NM_182961.4(SYNE1):c.582-95G>A

Gene: SYNE1 (spectrin repeat containing nuclear envelope protein 1; minus strand). Cytogenetic location: 6q25.2.
Variant type: single nucleotide variant.
Coding change: c.582-95G>A on transcript NM_182961.4 (MANE Select); 95 bases into the intron before coding-DNA position 582, G replaced by A.
Molecular consequence: intron variant.
Genome position (GRCh38, 1-based): chr6:152,505,492, C>T on the plus strand (G>A on the coding strand, the complement: SYNE1 is on the minus strand). VCF-style: chr6-152505492-C-T. GRCh37 (hg19) VCF-style: chr6-152826627-C-T.
Other names: c.603-95G>A (NM_033071.5).
Identifiers: ClinVar variation 670151 (VCV000670151.1), dbSNP rs13200897, ClinGen allele CA15473027.